The following is an entry in ClinVar:

ClinVar aggregate classification (germline): Uncertain significance (1 of 4 stars; one submission).

Conditions:
Hereditary spastic paraplegia 4. Also called: Spastic paraplegia 4, autosomal dominant; Spastic Paraplegia 4; Familial spastic paraplegia autosomal dominant 2. Identifiers: Orphanet 100985, MedGen C1866855, MONDO:0008438, OMIM 182601.

Allele frequency attached by ClinVar (database versions not stated): gnomAD exomes below 0.00001; TOPMed below 0.00001.

Submission:

Labcorp Genetics (formerly Invitae), Labcorp
Classification: Uncertain significance for Hereditary spastic paraplegia 4. Last evaluated: 2025-05-27. Review status: criteria provided, single submitter. Criteria: Invitae Variant Classification Sherloc (09022015). Collection method: clinical testing. Allele origin: germline.
Comment: This sequence change replaces glutamine, which is neutral and polar, with proline, which is neutral and non-polar, at codon 280 of the SPAST protein (p.Gln280Pro). This variant is not present in population databases (gnomAD no frequency). This variant has not been reported in the literature in individuals affected with SPAST-related conditions. ClinVar contains an entry for this variant (Variation ID: 1986136). Invitae Evidence Modeling of protein sequence and biophysical properties (such as structural, functional, and spatial information, amino acid conservation, physicochemical variation, residue mobility, and thermodynamic stability) indicates that this missense variant is not expected to disrupt SPAST protein function with a negative predictive value of 80%. In summary, the available evidence is currently insufficient to determine the role of this variant in disease. Therefore, it has been classified as a Variant of Uncertain Significance.

NM_014946.4(SPAST):c.839A>C (p.Gln280Pro)

Gene: SPAST (spastin; plus strand). Cytogenetic location: 2p22.3.
Variant type: single nucleotide variant.
Coding change: c.839A>C on transcript NM_014946.4 (MANE Select); coding-DNA position 839, A replaced by C.
Protein change: p.Gln280Pro; replaces glutamine 280 with proline.
Molecular consequence: missense variant.
Genome position (GRCh38, 1-based): chr2:32,114,794, A>C. VCF-style: chr2-32114794-A-C. GRCh37 (hg19) VCF-style: chr2-32339863-A-C.
Other names: c.836A>C, p.Gln279Pro (NM_001363823.2); c.740A>C, p.Gln247Pro (NM_001363875.2); c.743A>C, p.Gln248Pro (NM_001377959.1, NM_199436.2); short protein forms Q280P, Q247P, Q248P, Q279P.
Identifiers: ClinVar variation 1986136 (VCV001986136.4), dbSNP rs966186582, ClinGen allele CA44735499.